The following is an entry in ClinVar:

NC_000004.11:g.(?_8869419)_(10118290_?)del

Genes: DEFB131A (defensin beta 131A; plus strand), DRD5 (dopamine receptor D5; plus strand), HMX1 (H6 family homeobox 1; minus strand), SLC2A9 (solute carrier family 2 member 9; minus strand), USP17L10 (ubiquitin specific peptidase 17 like family member 10; plus strand) and 19 more. Cytogenetic location: 4p16.1.
Variant type: Deletion.
Identifiers: ClinVar variation 2426319 (VCV002426319.3).

ClinVar aggregate classification (germline): Uncertain significance (1 of 4 stars; one submission).

Submission:

Labcorp Genetics (formerly Invitae), Labcorp
Classification: Uncertain significance. Last evaluated: 2021-12-16. Review status: criteria provided, single submitter. Criteria: Invitae Variant Classification Sherloc (09022015). Collection method: clinical testing. Allele origin: germline.
Comment: A gross deletion of the genomic region encompassing the full coding sequence of the WDR1 gene has been identified. The current clinical and genetic evidence is not sufficient to establish whether loss-of-function variants in WDR1 cause disease. The boundaries of this event are unknown as they extend beyond the assayed region for this gene and therefore may encompass additional genes. This variant has not been reported in the literature in individuals affected with WDR1-related conditions. Experimental studies and prediction algorithms are not available or were not evaluated, and the functional significance of this variant is currently unknown. In summary, the available evidence is currently insufficient to determine the role of this variant in disease. Therefore, it has been classified as a Variant of Uncertain Significance.